The following is an entry in ClinVar:

ClinVar aggregate classification (germline): Uncertain significance (1 of 4 stars; one submission).

Submission:

GeneDx
Classification: Uncertain significance. Last evaluated: 2023-11-19. Review status: criteria provided, single submitter. Criteria: GeneDx Variant Classification Process June 2021. Collection method: clinical testing. Allele origin: germline. Affected: yes.
Comment: Canonical splice site variant predicted to result in a null allele in a gene for which loss of function is a known mechanism of disease; Has not been previously published as pathogenic or benign to our knowledge; No data available from control populations to assess the frequency of this variant

NM_001378778.1(MPDZ):c.-57-1G>A

Gene: MPDZ (multiple PDZ domain crumbs cell polarity complex component; minus strand). Cytogenetic location: 9p23.
Variant type: single nucleotide variant.
Coding change: c.-57-1G>A on transcript NM_001378778.1 (MANE Select); the canonical splice acceptor site of the intron before 57 bases upstream of the start codon, G replaced by A.
Molecular consequence: splice acceptor variant.
Genome position (GRCh38, 1-based): chr9:13,250,373, C>T on the plus strand (G>A on the coding strand, the complement: MPDZ is on the minus strand). VCF-style: chr9-13250373-C-T. GRCh37 (hg19) VCF-style: chr9-13250372-C-T.
Other names: c.-57-1G>A (NM_001375425.1, NM_001375420.1, NM_001375419.1 and 14 more transcripts).
Identifiers: ClinVar variation 3364344 (VCV003364344.1).